The following is an entry in ClinVar:

ClinVar aggregate classification (germline): Uncertain significance (1 of 4 stars; one submission).

Allele frequency attached by ClinVar (database versions not stated): ESP Exome Variant Server 0.00008.
gnomAD v4.1: 74 of 1,613,546 alleles (0.0046%); highest among the groups gnomAD compares: Non-Finnish European, 0.0055%; no homozygotes.

Submission:

Labcorp Genetics (formerly Invitae), Labcorp
Classification: Uncertain significance. Last evaluated: 2023-04-18. Review status: criteria provided, single submitter. Criteria: Invitae Variant Classification Sherloc (09022015). Collection method: clinical testing. Allele origin: germline.
Comment: In summary, the available evidence is currently insufficient to determine the role of this variant in disease. Therefore, it has been classified as a Variant of Uncertain Significance. Advanced modeling of protein sequence and biophysical properties (such as structural, functional, and spatial information, amino acid conservation, physicochemical variation, residue mobility, and thermodynamic stability) has been performed at Invitae for this missense variant, however the output from this modeling did not meet the statistical confidence thresholds required to predict the impact of this variant on APOA4 protein function. This variant has not been reported in the literature in individuals affected with APOA4-related conditions. This variant is present in population databases (rs150264487, gnomAD 0.01%). This sequence change replaces arginine, which is basic and polar, with cysteine, which is neutral and slightly polar, at codon 305 of the APOA4 protein (p.Arg305Cys).

NM_000482.4(APOA4):c.913C>T (p.Arg305Cys)

Gene: APOA4 (apolipoprotein A4; minus strand). Cytogenetic location: 11q23.3.
Variant type: single nucleotide variant.
Coding change: c.913C>T on transcript NM_000482.4 (MANE Select); coding-DNA position 913, C replaced by T.
Protein change: p.Arg305Cys; replaces arginine 305 with cysteine.
Molecular consequence: missense variant.
Genome position (GRCh38, 1-based): chr11:116,821,145, G>A on the plus strand (C>T on the coding strand, the complement: APOA4 is on the minus strand). VCF-style: chr11-116821145-G-A. GRCh37 (hg19) VCF-style: chr11-116691861-G-A.
Other names: short protein forms R305C.
Identifiers: ClinVar variation 2914483 (VCV002914483.3), dbSNP rs150264487, ClinGen allele CA6289283.
Genomic context (GRCh38, chr11:116,821,145, plus strand): 5'-GCTGTTCCATCTGCTGCACCAGGGCTTTGTTGAAGTTTTCCCCGTAGGGCTCCACCCGGC[G>A]TCGGAACTCCTCCACCTGCTGGTCCAGGTGCCCACCCAGCTCTGCCAGTGACTTCTGCAG-3'
Protein context (NP_000473.2, residues 295-315): HLDQQVEEFR[Arg305Cys]RVEPYGENFN